The following is an entry in ClinVar:

ClinVar aggregate classification (germline): Pathogenic (1 of 4 stars; one submission).

Conditions:
Epilepsy, familial focal, with variable foci 3 (FFEVF3). Identifiers: MedGen C4310708, MONDO:0014925, OMIM 617118.

Submission:

Labcorp Genetics (formerly Invitae), Labcorp
Classification: Pathogenic for Epilepsy, familial focal, with variable foci 3. Last evaluated: 2022-08-23. Review status: criteria provided, single submitter. Criteria: Invitae Variant Classification Sherloc (09022015). Collection method: clinical testing. Allele origin: germline.
Comment: This variant is not present in population databases (gnomAD no frequency). For these reasons, this variant has been classified as Pathogenic. This variant has not been reported in the literature in individuals affected with NPRL3-related conditions. This sequence change creates a premature translational stop signal (p.Ala366Profs*47) in the NPRL3 gene. It is expected to result in an absent or disrupted protein product. Loss-of-function variants in NPRL3 are known to be pathogenic (PMID: 26285051, 26505888).

Literature cited by the submitters: PubMed 26285051; PubMed 26505888.

NM_001077350.3(NPRL3):c.1093del (p.Ala366fs)

Genes: HBA-LCR (alpha-globin locus control region; plus strand), NPRL3 (NPR3 like, GATOR1 complex subunit; minus strand). Cytogenetic location: 16p13.3.
Variant type: Deletion.
Coding change: c.1093del on transcript NM_001077350.3 (MANE Select); coding-DNA position 1093, one base deleted (C; older notation c.1093delC).
Protein change: p.Ala366fs; shifts the reading frame from alanine 366.
Molecular consequence: frameshift variant.
Genome position (GRCh38, 1-based): chr16:92,664, G deleted on the plus strand (C on the coding strand, the reverse complement: NPRL3 is on the minus strand). VCF-style (leftmost placement, unchanged base first): chr16-92663-AG-A. GRCh37 (hg19) VCF-style: chr16-142661-AG-A.
Other names: c.556del, p.Ala187fs (NM_001039476.3); c.859del, p.Ala288fs (NM_001243247.2); c.1018del, p.Ala341fs (NM_001243248.2, NM_001243249.2); short protein forms A341fs, A366fs, A187fs, A288fs.
Identifiers: ClinVar variation 2132237 (VCV002132237.4), dbSNP rs2542810858, ClinGen allele CA2580092054.